The following is an entry in ClinVar:

ClinVar aggregate classification (germline): Uncertain significance (1 of 4 stars; one submission).

Conditions:
Dyskeratosis congenita, autosomal dominant 1 (DKCA1). Also called: Dyskeratosis congenita Scoggins type. Identifiers: Orphanet 1775, MedGen C4551974, MONDO:0007485, OMIM 127550. Inheritance: Variable.

Submission:

Labcorp Genetics (formerly Invitae), Labcorp
Classification: Uncertain significance for Dyskeratosis congenita, autosomal dominant 1. Last evaluated: 2022-05-18. Review status: criteria provided, single submitter. Criteria: Invitae Variant Classification Sherloc (09022015). Collection method: clinical testing. Allele origin: germline.
Comment: This variant occurs in the TERC gene, which encodes an RNA molecule that does not result in a protein product. This variant is not present in population databases (gnomAD no frequency). This variant has not been reported in the literature in individuals affected with TERC-related conditions. This variant is located within the BoxH/ACA scaRNA domain of the TERC RNA component, which is required for telomerase activity (PMID: 21844345). In summary, the available evidence is currently insufficient to determine the role of this variant in disease. Therefore, it has been classified as a Variant of Uncertain Significance.

Literature cited by the submitters: PubMed 21844345.

NC_000003.12:g.169764850G>T

Genes: TERC (telomerase RNA component; minus strand), LOC110806306 (telomerase RNA component (TERC) promoter; plus strand). Cytogenetic location: 3q26.2.
Variant type: single nucleotide variant.
Genome position: GRCh38 VCF-style: chr3-169764850-G-T. GRCh37 (hg19) VCF-style: chr3-169482638-G-T.
Identifiers: ClinVar variation 1996056 (VCV001996056.4), dbSNP rs1346505603, ClinGen allele CA436715401.